The following is an entry in ClinVar:

ClinVar aggregate classification (germline): Uncertain significance. Review status: criteria provided, multiple submitters, no conflicts (2 of 4 stars). 2 submissions from 2 submitters: Uncertain significance (2). Last evaluated 2022-04-01.

Conditions:
Donnai-Barrow syndrome. Also called: DBS/FOAR SYNDROME; FACIOOCULOACOUSTICORENAL SYNDROME. Identifiers: Orphanet 2143, MedGen C1857277, MONDO:0009104, OMIM 222448.

Allele frequency attached by ClinVar (database versions not stated): gnomAD exomes below 0.00001; TOPMed 0.00002.
gnomAD v4.1: 4 of 1,613,962 alleles (0.00025%); highest among the groups gnomAD compares: African/African-American, 0.0053%; no homozygotes.

Submissions (2):

Fulgent Genetics
Classification: Uncertain significance for Donnai-Barrow syndrome. Last evaluated: 2022-04-01. Review status: criteria provided, single submitter. Criteria: ACMG Guidelines, 2015. Collection method: clinical testing. Allele origin: unknown.

Labcorp Genetics (formerly Invitae), Labcorp
Classification: Uncertain significance. Last evaluated: 2021-11-14. Review status: criteria provided, single submitter. Criteria: Invitae Variant Classification Sherloc (09022015). Collection method: clinical testing. Allele origin: germline.
Comment: In summary, the available evidence is currently insufficient to determine the role of this variant in disease. Therefore, it has been classified as a Variant of Uncertain Significance. Advanced modeling of protein sequence and biophysical properties (such as structural, functional, and spatial information, amino acid conservation, physicochemical variation, residue mobility, and thermodynamic stability) performed at Invitae indicates that this missense variant is not expected to disrupt LRP2 protein function. This variant has not been reported in the literature in individuals affected with LRP2-related conditions. This variant is not present in population databases (gnomAD no frequency). This sequence change replaces glutamic acid, which is acidic and polar, with lysine, which is basic and polar, at codon 2168 of the LRP2 protein (p.Glu2168Lys).

NM_004525.3(LRP2):c.6502G>A (p.Glu2168Lys)

Gene: LRP2 (LDL receptor related protein 2; minus strand). Cytogenetic location: 2q31.1.
Variant type: single nucleotide variant.
Coding change: c.6502G>A on transcript NM_004525.3 (MANE Select); coding-DNA position 6502, G replaced by A.
Protein change: p.Glu2168Lys; replaces glutamic acid 2168 with lysine.
Molecular consequence: missense variant.
Genome position (GRCh38, 1-based): chr2:169,207,218, C>T on the plus strand (G>A on the coding strand, the complement: LRP2 is on the minus strand). VCF-style: chr2-169207218-C-T. GRCh37 (hg19) VCF-style: chr2-170063728-C-T.
Other names: short protein forms E2168K.
Identifiers: ClinVar variation 1357021 (VCV001357021.6), dbSNP rs1014074124, ClinGen allele CA59896163.